The following is an entry in ClinVar:

NM_001384732.1(CPLANE1):c.3805G>C (p.Ala1269Pro)

Gene: CPLANE1 (ciliogenesis and planar polarity effector complex subunit 1; minus strand). Cytogenetic location: 5p13.2.
Variant type: single nucleotide variant.
Coding change: c.3805G>C on transcript NM_001384732.1 (MANE Select); coding-DNA position 3805, G replaced by C.
Protein change: p.Ala1269Pro; replaces alanine 1269 with proline.
Molecular consequence: missense variant.
Genome position (GRCh38, 1-based): chr5:37,195,864, C>G on the plus strand (G>C on the coding strand, the complement: CPLANE1 is on the minus strand). VCF-style: chr5-37195864-C-G. GRCh37 (hg19) VCF-style: chr5-37195966-C-G.
Other names: c.3805G>C, p.Ala1269Pro (NM_023073.4); short protein forms A1269P.
Identifiers: ClinVar variation 848883 (VCV000848883.14), dbSNP rs775914551, ClinGen allele CA3238856.

ClinVar aggregate classification (germline): Conflicting classifications of pathogenicity. Review status: criteria provided, conflicting classifications (1 of 4 stars). 4 submissions from 4 submitters: Pathogenic (1); Likely pathogenic (1); Uncertain significance (1). 1 of the submissions does not count toward it. Last evaluated 2025-10-01.

Conditions:
Joubert syndrome and related disorders. Identifiers: Orphanet 140874, MedGen C5679612, MONDO:0015369.
CPLANE1-related disorder. Also called: CPLANE1-related condition.

Allele frequency attached by ClinVar (database versions not stated): gnomAD exomes below 0.00001; ExAC 0.00001; gnomAD 0.00001.
gnomAD v4.1: 3 of 1,608,996 alleles (0.00019%); highest among the groups gnomAD compares: Non-Finnish European, 0.00025%; no homozygotes.

Submissions (4):

Women's Health and Genetics/Laboratory Corporation of America, LabCorp
Classification: Likely pathogenic for Joubert syndrome and related disorders. Last evaluated: 2025-10-01. Review status: criteria provided, single submitter. Criteria: LabCorp Variant Classification Summary - May 2015. Collection method: clinical testing. Allele origin: germline.
Comment: Variant summary: CPLANE1 c.3805G>C (p.Ala1269Pro) results in a non-conservative amino acid change in the encoded protein sequence. Algorithms developed to predict the effect of missense changes on protein structure and function are either unavailable or do not agree on the potential impact of this missense change. The variant was absent in 277936 control chromosomes. c.3805G>C has been reported in at least two individuals affected with clinical features of Joubert syndrome (internal data) and one individual affected with schizophrenia (de novo case, Gulsuner_2013). TThese data indicate that the variant may be associated with disease. To our knowledge, no experimental evidence demonstrating an impact on protein function has been reported. The following publications has been ascertained in the context of this evaluation (PMID: 23911319). ClinVar contains an entry for this variant (Variation ID: 848883). Based on the evidence outlined above, the variant was classified as likely pathogenic.

Labcorp Genetics (formerly Invitae), Labcorp
Classification: Pathogenic. Last evaluated: 2024-07-23. Review status: criteria provided, single submitter. Criteria: Invitae Variant Classification Sherloc (09022015). Collection method: clinical testing. Allele origin: germline.
Comment: This sequence change replaces alanine, which is neutral and non-polar, with proline, which is neutral and non-polar, at codon 1269 of the CPLANE1 protein (p.Ala1269Pro). This variant is present in population databases (rs775914551, gnomAD 0.002%). This missense change has been observed in individual(s) with clinical features of Joubert syndrome (Invitae). In at least one individual the data is consistent with being in trans (on the opposite chromosome) from a pathogenic variant. ClinVar contains an entry for this variant (Variation ID: 848883). Advanced modeling of protein sequence and biophysical properties (such as structural, functional, and spatial information, amino acid conservation, physicochemical variation, residue mobility, and thermodynamic stability) performed at Invitae indicates that this missense variant is not expected to disrupt CPLANE1 protein function with a negative predictive value of 95%. For these reasons, this variant has been classified as Pathogenic.

Blueprint Genetics
Classification: Uncertain significance. Last evaluated: 2024-05-20. Review status: criteria provided, single submitter. Criteria: ACMG Guidelines, 2015. Collection method: clinical testing. Allele origin: germline.

PreventionGenetics, part of Exact Sciences
Classification: Uncertain significance for CPLANE1-related condition. Last evaluated: 2024-05-15. Review status: no assertion criteria provided. Collection method: clinical testing. Allele origin: germline. Not counted in ClinVar's aggregate classification.
Comment: The CPLANE1 c.3805G>C variant is predicted to result in the amino acid substitution p.Ala1269Pro. This variant was reported as de novo in an individual with schizophrenia (reported as FNDC9 p.A1269P in Table S3A, Gulsuner et al 2013. PubMed ID: 23911319). This variant is reported in 0.0016% of alleles in individuals of European (Non-Finnish) descent in gnomAD. In ClinVar, this variant has been reported by another laboratory in an individual with features of Joubert syndrome who was apparently positive for a second pathogenic variant on the opposite allele. At this time, the clinical significance of this variant is uncertain due to the absence of conclusive functional and genetic evidence.

Literature cited by the submitters: PubMed 23911319 (cited by Women's Health and Genetics/Laboratory Corporation of America, LabCorp).